The following is an entry in ClinVar:

ClinVar aggregate classification (germline): Benign/Likely benign. Review status: criteria provided, multiple submitters, no conflicts (2 of 4 stars). 8 submissions from 7 submitters: Benign (3); Likely benign (4). 1 of the submissions does not count toward it. Last evaluated 2026-03-01.

Conditions:
MYH3-related disorder. Also called: MYH3-Related Disorders; MYH3-related condition. Identifiers: MedGen CN239329.
Freeman-Sheldon syndrome (DA2A). Also called: CRANIOCARPOTARSAL DYSPLASIA; CRANIOCARPOTARSAL DYSTROPHY; WHISTLING FACE-WINDMILL VANE HAND SYNDROME; Arthrogryposis, distal, type 2A (Freeman-Sheldon). Identifiers: Orphanet 2053, MedGen C0265224, MONDO:0008675, OMIM 193700.
Distal arthrogryposis type 2B1 (DA2B1). Also called: Arthrogryposis multiplex congenita distal type II with craniofacial abnormalities. Identifiers: Orphanet 1147, MedGen C5193014, MONDO:0020820, OMIM 601680.

Allele frequency attached by ClinVar (database versions not stated): gnomAD 0.00350 and 0.00328; 1000 Genomes Project 0.00359; 1000 Genomes Project 30x 0.00390; gnomAD exomes 0.00038 and 0.00136; ExAC 0.00136; ESP Exome Variant Server 0.00269; TOPMed 0.00397.
gnomAD v4.1: 995 of 1,370,144 alleles (0.073%); highest among the groups gnomAD compares: African/African-American, 1%; 4 homozygotes.

Submissions (8):

CeGaT Center for Human Genetics Tuebingen
Classification: Likely benign. Last evaluated: 2026-03-01. Review status: criteria provided, single submitter. Criteria: CeGaT Center For Human Genetics Tuebingen Variant Classification Criteria Version 2. Collection method: clinical testing. Allele origin: germline. Affected: yes. Observed: 1 variant allele.
Comment: MYH3: BP4, BS1

Labcorp Genetics (formerly Invitae), Labcorp
Classification: Benign. Last evaluated: 2026-01-11. Review status: criteria provided, single submitter. Criteria: Invitae Variant Classification Sherloc (09022015). Collection method: clinical testing. Allele origin: germline.

Blueprint Genetics
Classification: Likely benign. Last evaluated: 2024-11-26. Review status: criteria provided, single submitter. Criteria: ACMG Guidelines, 2015. Collection method: clinical testing. Allele origin: germline.

GeneDx
Classification: Likely benign. Last evaluated: 2021-01-27. Review status: criteria provided, single submitter. Criteria: GeneDx Variant Classification Process June 2021. Collection method: clinical testing. Allele origin: germline. Affected: yes.

Illumina Laboratory Services, Illumina
Classification: Benign for Freeman-Sheldon syndrome. Last evaluated: 2018-01-13. Review status: criteria provided, single submitter. Criteria: ICSL Variant Classification Criteria 13 December 2019. Collection method: clinical testing. Allele origin: germline.
Comment: This variant was observed in the ICSL laboratory as part of a predisposition screen in an ostensibly healthy population. It had not been previously curated by ICSL or reported in the Human Gene Mutation Database (HGMD: prior to June 1st, 2018), and was therefore a candidate for classification through an automated scoring system. Utilizing variant allele frequency, disease prevalence and penetrance estimates, and inheritance mode, an automated score was calculated to assess if this variant is too frequent to cause the disease. Based on the score and internal cut-off values, a variant classified as benign is not then subjected to further curation. The score for this variant resulted in a classification of benign for this disease.

Illumina Laboratory Services, Illumina
Classification: Benign for Distal arthrogryposis type 2B1. Last evaluated: 2018-01-13. Review status: criteria provided, single submitter. Criteria: ICSL Variant Classification Criteria 13 December 2019. Collection method: clinical testing. Allele origin: germline.
Comment: the same text as in the submission from Illumina Laboratory Services, Illumina above.

Breakthrough Genomics
Classification: Likely benign. Review status: criteria provided, single submitter. Criteria: ACMG Guidelines, 2015. Collection method: not provided. Allele origin: germline. Inheritance: Autosomal recessive inheritance. Affected: yes.

PreventionGenetics, part of Exact Sciences
Classification: Benign for MYH3-related condition. Last evaluated: 2019-10-28. Review status: no assertion criteria provided. Collection method: clinical testing. Allele origin: germline. Not counted in ClinVar's aggregate classification.
Comment: This variant is classified as benign based on ACMG/AMP sequence variant interpretation guidelines (Richards et al. 2015 PMID: 25741868, with internal and published modifications).

NM_002470.4(MYH3):c.2683-4T>C

Gene: MYH3 (myosin heavy chain 3; minus strand). Cytogenetic location: 17p13.1.
Variant type: single nucleotide variant.
Coding change: c.2683-4T>C on transcript NM_002470.4 (MANE Select); 4 bases into the intron before coding-DNA position 2683, T replaced by C.
Molecular consequence: intron variant.
Genome position (GRCh38, 1-based): chr17:10,639,806, A>G on the plus strand (T>C on the coding strand, the complement: MYH3 is on the minus strand). VCF-style: chr17-10639806-A-G. GRCh37 (hg19) VCF-style: chr17-10543123-A-G.
Identifiers: ClinVar variation 258674 (VCV000258674.24), dbSNP rs182229640, ClinGen allele CA8392698.
Genomic context (GRCh38, chr17:10,639,806, plus strand): 5'-TTTGGCTTTGATCAGCTGATCGCATCTTTCCTCAGCATCCAACAAATTTTCGCTTTCCTT[A>G]AAAAAAAAAGAATAATAACTTCGTTGAATGATATAAGGTTTGCGACATTCCAGTATTTCA-3'